The following is an entry in ClinVar:

ClinVar aggregate classification (germline): Uncertain significance. Review status: criteria provided, multiple submitters, no conflicts (2 of 4 stars). 3 submissions from 3 submitters: Uncertain significance (3). Last evaluated 2025-06-24.

Conditions:
Cardiovascular phenotype. Identifiers: MedGen CN230736.
Naxos disease (NXD). Also called: KERATOSIS PALMOPLANTARIS WITH ARRHYTHMOGENIC CARDIOMYOPATHY; MAL DE NAXOS; PALMOPLANTAR KERATODERMA WITH ARRHYTHMOGENIC RIGHT VENTRICULAR CARDIOMYOPATHY AND WOOLLY HAIR; WOOLLY HAIR, PALMOPLANTAR KERATODERMA, AND CARDIAC ABNORMALITIES; CARDIOMYOPATHY, ARRHYTHMOGENIC RIGHT VENTRICULAR, WITH SKIN, HAIR, AND NAIL ABNORMALITIES. Identifiers: Orphanet 34217, MedGen C1832600, MONDO:0011017, OMIM 601214.
Arrhythmogenic right ventricular dysplasia 12. Also called: ARRHYTHMOGENIC RIGHT VENTRICULAR DYSPLASIA, FAMILIAL, 12. Identifiers: MedGen C1969081, MONDO:0012684, OMIM 611528.

Allele frequency attached by ClinVar (database versions not stated): TOPMed 0.00002; gnomAD 0.00010.
gnomAD v4.1: 12 of 1,611,102 alleles (0.00074%); highest among the groups gnomAD compares: Non-Finnish European, 0.00085%; no homozygotes.

Submissions (3):

Ambry Genetics
Classification: Uncertain significance for Cardiovascular phenotype. Last evaluated: 2025-06-24. Review status: criteria provided, single submitter. Criteria: Ambry Variant Classification Scheme 2023. Collection method: clinical testing. Allele origin: germline.
Comment: The p.A522V variant (also known as c.1565C>T), located in coding exon 8 of the JUP gene, results from a C to T substitution at nucleotide position 1565. The alanine at codon 522 is replaced by valine, an amino acid with similar properties. This amino acid position is not well conserved in available vertebrate species. In addition, this alteration is predicted to be tolerated by in silico analysis. Since supporting evidence is limited at this time, the clinical significance of this alteration remains unclear.

Labcorp Genetics (formerly Invitae), Labcorp
Classification: Uncertain significance for Arrhythmogenic right ventricular dysplasia 12; Naxos disease. Last evaluated: 2022-09-29. Review status: criteria provided, single submitter. Criteria: Invitae Variant Classification Sherloc (09022015). Collection method: clinical testing. Allele origin: germline.
Comment: This sequence change replaces alanine, which is neutral and non-polar, with valine, which is neutral and non-polar, at codon 522 of the JUP protein (p.Ala522Val). The frequency data for this variant in the population databases is considered unreliable, as metrics indicate poor data quality at this position in the gnomAD database. This missense change has been observed in individual(s) with sudden unexplained death (PMID: 29247119). ClinVar contains an entry for this variant (Variation ID: 409989). Algorithms developed to predict the effect of missense changes on protein structure and function (SIFT, PolyPhen-2, Align-GVGD) all suggest that this variant is likely to be tolerated. In summary, the available evidence is currently insufficient to determine the role of this variant in disease. Therefore, it has been classified as a Variant of Uncertain Significance.

GeneDx
Classification: Uncertain significance. Last evaluated: 2021-06-24. Review status: criteria provided, single submitter. Criteria: GeneDx Variant Classification Process June 2021. Collection method: clinical testing. Allele origin: germline. Affected: yes.
Comment: Reported as a variant of uncertain significance, among a cohort of individuals with sudden unexplained death (Lin Y et al., 2017); Not observed at significant frequency in large population cohorts (Lek et al., 2016); In silico analysis supports that this missense variant does not alter protein structure/function; Reported in ClinVar as a variant of uncertain significance (ClinVar Variant ID 409989; Landrum et al., 2016); This variant is associated with the following publications: (PMID: 27535533, 29247119)

Literature cited by the submitters: PubMed 29247119 (cited by Ambry Genetics and Labcorp Genetics (formerly Invitae), Labcorp).

NM_002230.4(JUP):c.1565C>T (p.Ala522Val)

Gene: JUP (junction plakoglobin; minus strand). Cytogenetic location: 17q21.2.
Variant type: single nucleotide variant.
Coding change: c.1565C>T on transcript NM_002230.4 (MANE Select); coding-DNA position 1565, C replaced by T.
Protein change: p.Ala522Val; replaces alanine 522 with valine.
Molecular consequence: missense variant.
Genome position (GRCh38, 1-based): chr17:41,758,803, G>A on the plus strand (C>T on the coding strand, the complement: JUP is on the minus strand). VCF-style: chr17-41758803-G-A. GRCh37 (hg19) VCF-style: chr17-39915055-G-A.
Other names: c.1565C>T, p.Ala522Val (NM_001352773.2, NM_001352774.2, NM_001352775.2 and 3 more transcripts); short protein forms A522V.
Identifiers: ClinVar variation 409989 (VCV000409989.16), dbSNP rs1060502679, ClinGen allele CA16615357.
Genomic context (GRCh38, chr17:41,758,803, plus strand): 5'-ACGTGGCGCTGGGCATCCTGGTGGGCCTTCACCAGCAGTTGGACGAGGCGGGGGATGACC[G>A]CTGCCTCCTGCAGCGGGGCATGGTTGGCTGGGCACAGGGCCAGATTCCTGATCAAGCCGA-3'
Protein context (NP_002221.1, residues 512-532): PANHAPLQEA[Ala522Val]VIPRLVQLLV